The following is an entry in ClinVar:

NM_015365.3(AMMECR1):c.23T>C (p.Val8Ala)

Gene: AMMECR1 (AMMECR nuclear protein 1; minus strand). Cytogenetic location: Xq23.
Variant type: single nucleotide variant.
Coding change: c.23T>C on transcript NM_015365.3 (MANE Select); coding-DNA position 23, T replaced by C.
Protein change: p.Val8Ala; replaces valine 8 with alanine.
Molecular consequence: missense variant. On other transcripts: intron variant (1).
Genome position (GRCh38, 1-based): chrX:110,318,049, A>G on the plus strand (T>C on the coding strand, the complement: AMMECR1 is on the minus strand). VCF-style: chrX-110318049-A-G. GRCh37 (hg19) VCF-style: chrX-109561277-A-G.
Other names: c.23T>C, p.Val8Ala (NM_001025580.2); c.-147-200T>C (NM_001171689.2); short protein forms V8A.
Identifiers: ClinVar variation 4086424 (VCV004086424.1).

ClinVar aggregate classification (germline): Uncertain significance (1 of 4 stars; one submission).

gnomAD v4.1: 3 of 1,196,864 alleles (0.00025%); highest among the groups gnomAD compares: Admixed American, 0.0022%; no homozygotes.

Submission:

GeneDx
Classification: Uncertain significance. Last evaluated: 2025-03-20. Review status: criteria provided, single submitter. Criteria: GeneDx Variant Classification Process June 2021. Collection method: clinical testing. Allele origin: germline. Affected: yes.
Comment: Not observed at significant frequency in large population cohorts (gnomAD); In silico analysis indicates that this missense variant does not alter protein structure/function; Has not been previously published as pathogenic or benign to our knowledge